The following is an entry in ClinVar:

NM_015338.6(ASXL1):c.2458G>T (p.Asp820Tyr)

Gene: ASXL1 (ASXL transcriptional regulator 1; plus strand). Cytogenetic location: 20q11.21.
Variant type: single nucleotide variant.
Coding change: c.2458G>T on transcript NM_015338.6 (MANE Select); coding-DNA position 2458, G replaced by T.
Protein change: p.Asp820Tyr; replaces aspartic acid 820 with tyrosine.
Molecular consequence: missense variant.
Genome position (GRCh38, 1-based): chr20:32,435,170, G>T. VCF-style: chr20-32435170-G-T. GRCh37 (hg19) VCF-style: chr20-31022973-G-T.
Other names: c.2275G>T, p.Asp759Tyr (NM_001363734.1); short protein forms D759Y, D820Y.
Identifiers: ClinVar variation 4588851 (VCV004588851.1).

ClinVar aggregate classification (germline): Uncertain significance (1 of 4 stars; one submission).

Conditions:
Inborn genetic diseases. Identifiers: MedGen C0950123, MeSH D030342.

Submission:

Ambry Genetics
Classification: Uncertain significance for Inborn genetic diseases. Last evaluated: 2025-11-30. Review status: criteria provided, single submitter. Criteria: Ambry Variant Classification Scheme 2023. Collection method: clinical testing. Allele origin: germline.
Comment: The p.D820Y variant (also known as c.2458G>T), located in coding exon 13 of the ASXL1 gene, results from a G to T substitution at nucleotide position 2458. The aspartic acid at codon 820 is replaced by tyrosine, an amino acid with highly dissimilar properties. This amino acid position is conserved. In addition, this alteration is predicted to be tolerated by in silico analysis. Based on the available evidence, the clinical significance of this variant remains unclear.